The following is an entry in ClinVar:

NM_052947.4(ALPK2):c.4516A>G (p.Ser1506Gly)

Genes: ALPK2 (alpha kinase 2; minus strand), LOC126862764 (BRD4-independent group 4 enhancer GRCh37_chr18:56202574-56203773; plus strand). Cytogenetic location: 18q21.31.
Variant type: single nucleotide variant.
Coding change: c.4516A>G on transcript NM_052947.4 (MANE Select); coding-DNA position 4516, A replaced by G.
Protein change: p.Ser1506Gly; replaces serine 1506 with glycine.
Molecular consequence: missense variant.
Genome position (GRCh38, 1-based): chr18:58,535,671, T>C on the plus strand (A>G on the coding strand, the complement: ALPK2 is on the minus strand). VCF-style: chr18-58535671-T-C. GRCh37 (hg19) VCF-style: chr18-56202903-T-C.
Other names: short protein forms S1506G.
Identifiers: ClinVar variation 1741164 (VCV001741164.3), dbSNP rs777343538, ClinGen allele CA8976689.
Genomic context (GRCh38, chr18:58,535,671, plus strand): 5'-GCTCAGCCTCCCCTAAGCTCCCATCACTGCTTTCTTGTATTTGGCCTATGCTACATCCAC[T>C]TGGAATTCTTTCACCGCCTTCGCTGGGTTGCAGGACTTGCCAAATGGCAGTTTTTGCCTC-3'
Protein context (NP_443179.3, residues 1496-1516): QPSEGGERIP[Ser1506Gly]GCSIGQIQES

ClinVar aggregate classification (germline): Uncertain significance (1 of 4 stars; one submission).

Allele frequency attached by ClinVar (database versions not stated): gnomAD exomes 0.00001; TOPMed 0.00001; ExAC 0.00002.
gnomAD v4.1: 7 of 1,614,252 alleles (0.00043%); highest among the groups gnomAD compares: South Asian, 0.0011%; no homozygotes.

Submission:

Ambry Genetics
Classification: Uncertain significance. Last evaluated: 2024-04-29. Review status: criteria provided, single submitter. Criteria: Ambry Variant Classification Scheme 2023. Collection method: clinical testing. Allele origin: germline.
Comment: The p.S1506G variant (also known as c.4516A>G), located in coding exon 4 of the ALPK2 gene, results from an A to G substitution at nucleotide position 4516. The serine at codon 1506 is replaced by glycine, an amino acid with similar properties. This amino acid position is conserved. In addition, this alteration is predicted to be tolerated by in silico analysis. Since supporting evidence is limited at this time, the clinical significance of this alteration remains unclear.